The following is an entry in ClinVar:

ClinVar aggregate classification (germline): Uncertain significance (1 of 4 stars; one submission).

Allele frequency attached by ClinVar (database versions not stated): gnomAD exomes below 0.00001; TOPMed below 0.00001; gnomAD 0.00001.
gnomAD v4.1: 6 of 1,549,688 alleles (0.00039%); highest among the groups gnomAD compares: African/African-American, 0.0014%; no homozygotes.

Submission:

CeGaT Center for Human Genetics Tuebingen
Classification: Uncertain significance. Last evaluated: 2022-05-01. Review status: criteria provided, single submitter. Criteria: CeGaT Center For Human Genetics Tuebingen Variant Classification Criteria Version 2. Collection method: clinical testing. Allele origin: germline. Affected: yes. Observed: 1 variant allele.
Comment: SETD1B: PP2

NM_001353345.2(SETD1B):c.4873C>T (p.Arg1625Cys)

Gene: SETD1B (SET domain containing 1B, histone lysine methyltransferase; plus strand). Cytogenetic location: 12q24.31.
Variant type: single nucleotide variant.
Coding change: c.4873C>T on transcript NM_001353345.2 (MANE Select); coding-DNA position 4873, C replaced by T.
Protein change: p.Arg1625Cys; replaces arginine 1625 with cysteine.
Molecular consequence: missense variant.
Genome position (GRCh38, 1-based): chr12:121,823,452, C>T. VCF-style: chr12-121823452-C-T. GRCh37 (hg19) VCF-style: chr12-122261358-C-T.
Other names: short protein forms R1625C.
Identifiers: ClinVar variation 2643478 (VCV002643478.24), dbSNP rs1490192766, ClinGen allele CA386999887.